The following is an entry in ClinVar:

NM_139057.4(ADAMTS17):c.*1419G>A

Gene: ADAMTS17 (ADAM metallopeptidase with thrombospondin type 1 motif 17; minus strand). Cytogenetic location: 15q26.3.
Variant type: single nucleotide variant.
Coding change: c.*1419G>A on transcript NM_139057.4 (MANE Select); 1419 bases downstream of the stop codon, G replaced by A.
Molecular consequence: 3 prime UTR variant.
Genome position (GRCh38, 1-based): chr15:99,972,983, C>T on the plus strand (G>A on the coding strand, the complement: ADAMTS17 is on the minus strand). VCF-style: chr15-99972983-C-T. GRCh37 (hg19) VCF-style: chr15-100513188-C-T.
Identifiers: ClinVar variation 315187 (VCV000315187.5), dbSNP rs75143725, ClinGen allele CA10647651.

ClinVar aggregate classification (germline): Benign (1 of 4 stars; one submission).

Conditions:
Weill-Marchesani 4 syndrome, recessive. Also called: Weill-Marchesani syndrome 4. Identifiers: Orphanet 363992, MedGen C2750787, MONDO:0013176, OMIM 613195.

Allele frequency attached by ClinVar (database versions not stated): TOPMed 0.01106; 1000 Genomes Project 30x 0.01140; 1000 Genomes Project 0.01178.

Submission:

Illumina Laboratory Services, Illumina
Classification: Benign for Weill-Marchesani 4 syndrome, recessive. Last evaluated: 2018-01-13. Review status: criteria provided, single submitter. Criteria: ICSL Variant Classification Criteria 13 December 2019. Collection method: clinical testing. Allele origin: germline.
Comment: This variant was observed in the ICSL laboratory as part of a predisposition screen in an ostensibly healthy population. It had not been previously curated by ICSL or reported in the Human Gene Mutation Database (HGMD: prior to June 1st, 2018), and was therefore a candidate for classification through an automated scoring system. Utilizing variant allele frequency, disease prevalence and penetrance estimates, and inheritance mode, an automated score was calculated to assess if this variant is too frequent to cause the disease. Based on the score and internal cut-off values, a variant classified as benign is not then subjected to further curation. The score for this variant resulted in a classification of benign for this disease.